The following is an entry in ClinVar:

ClinVar aggregate classification (germline): Uncertain significance. Review status: criteria provided, multiple submitters, no conflicts (2 of 4 stars). 2 submissions from 2 submitters: Uncertain significance (2). Last evaluated 2025-12-30.

Conditions:
Inborn genetic diseases. Identifiers: MedGen C0950123, MeSH D030342.
Familial encephalopathy with neuroserpin inclusion bodies. Also called: ENCEPHALOPATHY, FAMILIAL, WITH COLLINS BODIES. Identifiers: Orphanet 85110, MedGen C1858680, MONDO:0011412, OMIM 604218.

Allele frequency attached by ClinVar (database versions not stated): TOPMed below 0.00001; gnomAD exomes 0.00001.
gnomAD v4.1: 11 of 1,604,810 alleles (0.00069%); highest among the groups gnomAD compares: Non-Finnish European, 0.00094%; no homozygotes.

Submissions (2):

Labcorp Genetics (formerly Invitae), Labcorp
Classification: Uncertain significance for Familial encephalopathy with neuroserpin inclusion bodies. Last evaluated: 2025-12-30. Review status: criteria provided, single submitter. Criteria: Invitae Variant Classification Sherloc (09022015). Collection method: clinical testing. Allele origin: germline.
Comment: This sequence change replaces leucine, which is neutral and non-polar, with tryptophan, which is neutral and slightly polar, at codon 322 of the SERPINI1 protein (p.Leu322Trp). This variant is present in population databases (no rsID available, gnomAD 0.0009%). This variant has not been reported in the literature in individuals affected with SERPINI1-related conditions. ClinVar contains an entry for this variant (Variation ID: 1004826). Invitae Evidence Modeling of protein sequence and biophysical properties (such as structural, functional, and spatial information, amino acid conservation, physicochemical variation, residue mobility, and thermodynamic stability) indicates that this missense variant is expected to disrupt SERPINI1 protein function with a positive predictive value of 80%. In summary, the available evidence is currently insufficient to determine the role of this variant in disease. Therefore, it has been classified as a Variant of Uncertain Significance.

Ambry Genetics
Classification: Uncertain significance for Inborn genetic diseases. Last evaluated: 2025-11-08. Review status: criteria provided, single submitter. Criteria: Ambry Variant Classification Scheme 2023. Collection method: clinical testing. Allele origin: germline.

NM_001122752.2(SERPINI1):c.965T>G (p.Leu322Trp)

Gene: SERPINI1 (serpin family I member 1; plus strand). Cytogenetic location: 3q26.1.
Variant type: single nucleotide variant.
Coding change: c.965T>G on transcript NM_001122752.2 (MANE Select); coding-DNA position 965, T replaced by G.
Protein change: p.Leu322Trp; replaces leucine 322 with tryptophan.
Molecular consequence: missense variant.
Genome position (GRCh38, 1-based): chr3:167,807,327, T>G. VCF-style: chr3-167807327-T-G. GRCh37 (hg19) VCF-style: chr3-167525115-T-G.
Other names: c.965T>G (NM_005025.4); c.965T>G, p.Leu322Trp (NM_005025.5); short protein forms L322W.
Identifiers: ClinVar variation 1004826 (VCV001004826.9), dbSNP rs1271122328, ClinGen allele CA355157547.